The following is an entry in ClinVar:

ClinVar aggregate classification (germline): Uncertain significance (1 of 4 stars; one submission).

Conditions:
Alpha thalassemia-X-linked intellectual disability syndrome (ATRX). Also called: ALPHA-THALASSEMIA/MENTAL RETARDATION SYNDROME, X-LINKED; ATR, NONDELETION TYPE; ATR-X syndrome; Alpha thalassemia mental retardation syndrome, nondeletion type, X-linked; XLMR hypotonic face syndrome; X-linked alpha-thalassemia-mental retardation syndrome. Identifiers: Orphanet 847, MedGen C1845055, MONDO:0010519, OMIM 301040.

gnomAD v4.1: 1 of 1,208,448 alleles (0.000083%); highest among the groups gnomAD compares: African/African-American, 0.0017%; no homozygotes.

Submission:

Labcorp Genetics (formerly Invitae), Labcorp
Classification: Uncertain significance for Alpha thalassemia-X-linked intellectual disability syndrome. Last evaluated: 2025-11-21. Review status: criteria provided, single submitter. Criteria: Invitae Variant Classification Sherloc (09022015). Collection method: clinical testing. Allele origin: germline.
Comment: This sequence change replaces serine, which is neutral and polar, with proline, which is neutral and non-polar, at codon 576 of the ATRX protein (p.Ser576Pro). This variant is not present in population databases (gnomAD no frequency). This variant has not been reported in the literature in individuals affected with ATRX-related conditions. Invitae Evidence Modeling of protein sequence and biophysical properties (such as structural, functional, and spatial information, amino acid conservation, physicochemical variation, residue mobility, and thermodynamic stability) indicates that this missense variant is not expected to disrupt ATRX protein function with a negative predictive value of 95%. In summary, the available evidence is currently insufficient to determine the role of this variant in disease. Therefore, it has been classified as a Variant of Uncertain Significance.

NM_000489.6(ATRX):c.1726T>C (p.Ser576Pro)

Gene: ATRX (ATRX chromatin remodeler; minus strand). Cytogenetic location: Xq21.1.
Variant type: single nucleotide variant.
Coding change: c.1726T>C on transcript NM_000489.6 (MANE Select); coding-DNA position 1726, T replaced by C.
Protein change: p.Ser576Pro; replaces serine 576 with proline.
Molecular consequence: missense variant.
Genome position (GRCh38, 1-based): chrX:77,683,530, A>G on the plus strand (T>C on the coding strand, the complement: ATRX is on the minus strand). VCF-style: chrX-77683530-A-G. GRCh37 (hg19) VCF-style: chrX-76939022-A-G.
Other names: c.1612T>C, p.Ser538Pro (NM_138270.5); short protein forms S576P, S538P.
Identifiers: ClinVar variation 4770851 (VCV004770851.1).
Genomic context (GRCh38, chrX:77,683,530, plus strand): 5'-AAAGGGAAACAGGAGTGAGTTTAACATATAATTCTTTTGTTACTTTAGCTGTAGTTTTTG[A>G]TTTAATACCTCCTCTGTTGTCTTTTGAAGAAATATTTAATTTTACAGATGAACTCTCCAC-3'
Protein context (NP_000480.3, residues 566-586): SSKDNRGGIK[Ser576Pro]KTTAKVTKEL